The following is an entry in ClinVar:

ClinVar aggregate classification (germline): Uncertain significance. Review status: criteria provided, multiple submitters, no conflicts (2 of 4 stars). 2 submissions from 2 submitters: Uncertain significance (2). Last evaluated 2025-05-05.

Conditions:
Myasthenic syndrome, congenital, 22 (CMS22). Also called: PREPL DEFICIENCY. Identifiers: MedGen C4479088, MONDO:0044299, OMIM 616224.
Inborn genetic diseases. Identifiers: MedGen C0950123, MeSH D030342.

Allele frequency attached by ClinVar (database versions not stated): ExAC 0.00002; gnomAD 0.00003 and 0.00004; TOPMed 0.00003.
gnomAD v4.1: 19 of 1,614,012 alleles (0.0012%); highest among the groups gnomAD compares: Admixed American, 0.018%; no homozygotes.

Submissions (2):

Labcorp Genetics (formerly Invitae), Labcorp
Classification: Uncertain significance for Myasthenic syndrome, congenital, 22. Last evaluated: 2025-05-05. Review status: criteria provided, single submitter. Criteria: Invitae Variant Classification Sherloc (09022015). Collection method: clinical testing. Allele origin: germline.
Comment: This sequence change replaces isoleucine, which is neutral and non-polar, with threonine, which is neutral and polar, at codon 158 of the PREPL protein (p.Ile158Thr). This variant is present in population databases (rs752887453, gnomAD 0.01%). This variant has not been reported in the literature in individuals affected with PREPL-related conditions. ClinVar contains an entry for this variant (Variation ID: 955678). Invitae Evidence Modeling of protein sequence and biophysical properties (such as structural, functional, and spatial information, amino acid conservation, physicochemical variation, residue mobility, and thermodynamic stability) indicates that this missense variant is not expected to disrupt PREPL protein function with a negative predictive value of 80%. In summary, the available evidence is currently insufficient to determine the role of this variant in disease. Therefore, it has been classified as a Variant of Uncertain Significance.

Ambry Genetics
Classification: Uncertain significance for Inborn genetic diseases. Last evaluated: 2024-09-11. Review status: criteria provided, single submitter. Criteria: Ambry Variant Classification Scheme 2023. Collection method: clinical testing. Allele origin: germline.

NM_001171613.2(PREPL):c.206T>C (p.Ile69Thr)

Gene: PREPL (prolyl endopeptidase like; minus strand). Cytogenetic location: 2p21.
Variant type: single nucleotide variant.
Coding change: c.206T>C on transcript NM_001171613.2 (MANE Select); coding-DNA position 206, T replaced by C.
Protein change: p.Ile69Thr; replaces isoleucine 69 with threonine.
Molecular consequence: missense variant.
Genome position (GRCh38, 1-based): chr2:44,343,888, A>G on the plus strand (T>C on the coding strand, the complement: PREPL is on the minus strand). VCF-style: chr2-44343888-A-G. GRCh37 (hg19) VCF-style: chr2-44571027-A-G.
Other names: c.473T>C, p.Ile158Thr (NM_006036.4, NM_001042385.2, NM_001042386.2 and 4 more transcripts); c.206T>C, p.Ile69Thr (NM_001171617.1, NM_001374277.1); short protein forms I158T, I69T.
Identifiers: ClinVar variation 955678 (VCV000955678.7), dbSNP rs752887453, ClinGen allele CA1641571.